The following is an entry in ClinVar:

NM_020778.5(ALPK3):c.2009A>C (p.Gln670Pro)

Gene: ALPK3 (alpha kinase 3; plus strand). Cytogenetic location: 15q25.3.
Variant type: single nucleotide variant.
Coding change: c.2009A>C on transcript NM_020778.5 (MANE Select); coding-DNA position 2009, A replaced by C.
Protein change: p.Gln670Pro; replaces glutamine 670 with proline.
Molecular consequence: missense variant.
Genome position (GRCh38, 1-based): chr15:84,856,747, A>C. VCF-style: chr15-84856747-A-C. GRCh37 (hg19) VCF-style: chr15-85399978-A-C.
Other names: short protein forms Q670P.
Identifiers: ClinVar variation 4782027 (VCV004782027.1).

ClinVar aggregate classification (germline): Uncertain significance (1 of 4 stars; one submission).

Submission:

Labcorp Genetics (formerly Invitae), Labcorp
Classification: Uncertain significance. Last evaluated: 2025-05-26. Review status: criteria provided, single submitter. Criteria: Invitae Variant Classification Sherloc (09022015). Collection method: clinical testing. Allele origin: germline.
Comment: This sequence change replaces glutamine, which is neutral and polar, with proline, which is neutral and non-polar, at codon 872 of the ALPK3 protein (p.Gln872Pro). This variant is not present in population databases (gnomAD no frequency). This variant has not been reported in the literature in individuals affected with ALPK3-related conditions. Invitae Evidence Modeling of protein sequence and biophysical properties (such as structural, functional, and spatial information, amino acid conservation, physicochemical variation, residue mobility, and thermodynamic stability) indicates that this missense variant is not expected to disrupt ALPK3 protein function with a negative predictive value of 80%. In summary, the available evidence is currently insufficient to determine the role of this variant in disease. Therefore, it has been classified as a Variant of Uncertain Significance.